The following is an entry in ClinVar:

ClinVar aggregate classification (germline): Uncertain significance. Review status: criteria provided, multiple submitters, no conflicts (2 of 4 stars). 2 submissions from 2 submitters: Uncertain significance (2). Last evaluated 2020-05-13.

Conditions:
Pyogenic arthritis-pyoderma gangrenosum-acne syndrome (PAPA). Also called: PAPA SYNDROME; FAMILIAL RECURRENT ARTHRITIS. Identifiers: Orphanet 69126, MedGen C1858361, MONDO:0011462, OMIM 604416.

gnomAD v4.1: 1 of 1,608,898 alleles (0.000062%); highest among the groups gnomAD compares: South Asian, 0.0011%; no homozygotes.

Submissions (2):

Labcorp Genetics (formerly Invitae), Labcorp
Classification: Uncertain significance for Pyogenic arthritis-pyoderma gangrenosum-acne syndrome. Last evaluated: 2020-05-13. Review status: criteria provided, single submitter. Criteria: Invitae Variant Classification Sherloc (09022015). Collection method: clinical testing. Allele origin: germline.
Comment: In summary, the available evidence is currently insufficient to determine the role of this variant in disease. Therefore, it has been classified as a Variant of Uncertain Significance. Algorithms developed to predict the effect of missense changes on protein structure and function are either unavailable or do not agree on the potential impact of this missense change (SIFT: "Deleterious"; PolyPhen-2: "Benign"; Align-GVGD: "Class C0"). This variant has not been reported in the literature in individuals with PSTPIP1-related conditions. ClinVar contains an entry for this variant (Variation ID: 618851). This variant is not present in population databases (ExAC no frequency). This sequence change replaces glutamine with lysine at codon 83 of the PSTPIP1 protein (p.Gln83Lys). The glutamine residue is highly conserved and there is a small physicochemical difference between glutamine and lysine.

ARUP Laboratories, Molecular Genetics and Genomics, ARUP Laboratories
Classification: Uncertain significance. Last evaluated: 2018-05-15. Review status: criteria provided, single submitter. Criteria: ARUP Molecular Germline Variant Investigation Process. Collection method: clinical testing. Allele origin: germline.
Comment: The PSTPIP1 c.247C>A; p.Gln83Lys variant, to our knowledge, is not reported in the medical literature or in gene-specific databases. The variant is listed in the Genome Aggregation Database in 1 out of 246098 alleles, indicating it is not a common polymorphism. The glutamine at codon 83 is conserved across species but computational analyses (SIFT: Damaging, PolyPhen-2: Benign) predict conflicting effects of this variant on protein structure/function. Additionally, this variant occurs in the last nucleotide of the exon, a nucleotide generally conserved for the splicing mechanism. This nucleotide, however, is not well conserved and computational splicing algorithms also predict conflicting effects on splicing (Alamut v.2.11). Considering available information, the clinical significance of this variant cannot be determined with certainty. Pathogenic PSTPIP1 variants are causative for pyogenic sterile arthritis, pyoderma gangrenosum, and acne (PAPA syndrome, MIM: 604416).

NM_003978.5(PSTPIP1):c.247C>A (p.Gln83Lys)

Gene: PSTPIP1 (proline-serine-threonine phosphatase interacting protein 1; plus strand). Cytogenetic location: 15q24.3.
Variant type: single nucleotide variant.
Coding change: c.247C>A on transcript NM_003978.5 (MANE Select); coding-DNA position 247, C replaced by A.
Protein change: p.Gln83Lys; replaces glutamine 83 with lysine.
Molecular consequence: missense variant. On other transcripts: non-coding transcript variant (1).
Genome position (GRCh38, 1-based): chr15:77,025,318, C>A. VCF-style: chr15-77025318-C-A. GRCh37 (hg19) VCF-style: chr15-77317659-C-A.
Other names: c.247C>A, p.Gln83Lys (NM_001321135.2); c.220C>A, p.Gln74Lys (NM_001321136.2); c.442C>A, p.Gln148Lys (NM_001321137.1); short protein forms Q83K, Q74K, Q148K.
Identifiers: ClinVar variation 618851 (VCV000618851.17), dbSNP rs377719165, ClinGen allele CA393518687.